The following is an entry in ClinVar:

NM_015355.4(SUZ12):c.1960C>T (p.Arg654Ter)

Gene: SUZ12 (SUZ12 polycomb repressive complex 2 subunit; plus strand). Cytogenetic location: 17q11.2.
Variant type: single nucleotide variant.
Coding change: c.1960C>T on transcript NM_015355.4 (MANE Select); coding-DNA position 1960, C replaced by T.
Protein change: p.Arg654Ter; replaces arginine 654 with a stop codon.
Molecular consequence: nonsense.
Genome position (GRCh38, 1-based): chr17:31,998,743, C>T. VCF-style: chr17-31998743-C-T. GRCh37 (hg19) VCF-style: chr17-30325762-C-T.
Other names: c.1891C>T, p.Arg631Ter (NM_001321207.2); c.1960C>T (NM_015355.2); short protein forms R654*, R631*.
Identifiers: ClinVar variation 812718 (VCV000812718.3), dbSNP rs771704089, ClinGen allele CA8489865.

ClinVar aggregate classification (germline): Pathogenic. Review status: criteria provided, single submitter (1 of 4 stars). 2 submissions from 2 submitters: Pathogenic (1). 1 of the submissions does not count toward it. Last evaluated 2021-10-05.

Conditions:
Imagawa-Matsumoto syndrome. Identifiers: Orphanet 659463, MedGen C5394073, MONDO:0032916, OMIM 618786.

Allele frequency attached by ClinVar (database versions not stated): ExAC 0.00001.
gnomAD v4.1: 1 of 1,607,020 alleles (0.000062%); highest among the groups gnomAD compares: Non-Finnish European, 0.000085%; no homozygotes.

Submissions (2):

GeneDx
Classification: Pathogenic. Last evaluated: 2021-10-05. Review status: criteria provided, single submitter. Criteria: GeneDx Variant Classification Process June 2021. Collection method: clinical testing. Allele origin: germline. Affected: yes.
Comment: Nonsense variant predicted to result in protein truncation as the last 86 amino acids are lost, although loss-of-function variants have not been reported downstream of this position in the protein; This variant is associated with the following publications: (PMID: 31736240)

OMIM
Classification: Pathogenic for IMAGAWA-MATSUMOTO SYNDROME. Last evaluated: 2020-02-21. Review status: no assertion criteria provided. Collection method: literature only. Allele origin: germline. Not counted in ClinVar's aggregate classification.

Literature cited by the submitters: PubMed 31736240 (cited by OMIM).